The following is an entry in ClinVar:

ClinVar aggregate classification (germline): Uncertain significance (1 of 4 stars; one submission).

Conditions:
Werner syndrome (WRN). Identifiers: Orphanet 902, MedGen C0043119, MONDO:0010196, OMIM 277700.

Allele frequency attached by ClinVar (database versions not stated): gnomAD 0.00001; gnomAD exomes 0.00001 and 0.00002; ExAC 0.00002; TOPMed 0.00003.
gnomAD v4.1: 17 of 1,613,510 alleles (0.0011%); highest among the groups gnomAD compares: East Asian, 0.0089%; no homozygotes.

Submission:

Labcorp Genetics (formerly Invitae), Labcorp
Classification: Uncertain significance for Werner syndrome. Last evaluated: 2026-01-27. Review status: criteria provided, single submitter. Criteria: Invitae Variant Classification Sherloc (09022015). Collection method: clinical testing. Allele origin: germline.
Comment: This sequence change replaces threonine, which is neutral and polar, with isoleucine, which is neutral and non-polar, at codon 1398 of the WRN protein (p.Thr1398Ile). This variant is present in population databases (rs752795658, gnomAD 0.01%). This variant has not been reported in the literature in individuals affected with WRN-related conditions. ClinVar contains an entry for this variant (Variation ID: 528092). An algorithm developed to predict the effect of missense changes on protein structure and function outputs the following: PolyPhen-2: "Benign". The isoleucine amino acid residue is found in multiple mammalian species, which suggests that this missense change does not adversely affect protein function. In summary, the available evidence is currently insufficient to determine the role of this variant in disease. Therefore, it has been classified as a Variant of Uncertain Significance.

NM_000553.6(WRN):c.4193C>T (p.Thr1398Ile)

Genes: WRN (WRN RecQ like helicase; plus strand), LOC126860342 (MED14-independent group 3 enhancer GRCh37_chr8:31029565-31030764; plus strand). Cytogenetic location: 8p12.
Variant type: single nucleotide variant.
Coding change: c.4193C>T on transcript NM_000553.6 (MANE Select); coding-DNA position 4193, C replaced by T.
Protein change: p.Thr1398Ile; replaces threonine 1398 with isoleucine.
Molecular consequence: missense variant.
Genome position (GRCh38, 1-based): chr8:31,172,996, C>T. VCF-style: chr8-31172996-C-T. GRCh37 (hg19) VCF-style: chr8-31030512-C-T.
Other names: short protein forms T1398I.
Identifiers: ClinVar variation 528092 (VCV000528092.7), dbSNP rs752795658, ClinGen allele CA4705295.
Genomic context (GRCh38, chr8:31,172,996, plus strand): 5'-CTAATACCCCTTCTCAGTAGTACAAAGATTTGATTTCTTTTTCTTTCTATTTCCTACAGA[C>T]TTCATCTGCAGAGAGAAAGAGACGATTACCTGTGTGGTTTGCCAAAGGAAGTGATACCAG-3'
Protein context (NP_000544.2, residues 1388-1408): SKEEVGINTE[Thr1398Ile]SSAERKRRLP